The following is an entry in ClinVar:

NM_001184880.2(PCDH19):c.1129G>A (p.Asp377Asn)

Gene: PCDH19 (protocadherin 19; minus strand). Cytogenetic location: Xq22.1.
Variant type: single nucleotide variant.
Coding change: c.1129G>A on transcript NM_001184880.2 (MANE Select); coding-DNA position 1129, G replaced by A.
Protein change: p.Asp377Asn; replaces aspartic acid 377 with asparagine.
Molecular consequence: missense variant.
Genome position (GRCh38, 1-based): chrX:100,407,469, C>T on the plus strand (G>A on the coding strand, the complement: PCDH19 is on the minus strand). VCF-style: chrX-100407469-C-T. GRCh37 (hg19) VCF-style: chrX-99662467-C-T.
Other names: c.1129G>A, p.Asp377Asn (NM_001105243.2, NM_020766.3); short protein forms D377N.
Identifiers: ClinVar variation 2737278 (VCV002737278.3), dbSNP rs1928407149, ClinGen allele CA414004082.

ClinVar aggregate classification (germline): Pathogenic (1 of 4 stars; one submission).

Conditions:
Developmental and epileptic encephalopathy, 9 (DEE9). Also called: Early infantile epileptic encephalopathy 9; EPILEPSY, FEMALE-RESTRICTED, WITH MENTAL RETARDATION; JUBERG-HELLMAN SYNDROME; PCDH19-Related X-Linked Female-Limited Epilepsy with Mental Retardation. Identifiers: Orphanet 101039, Orphanet 2076, MedGen C1848137, MONDO:0010246, OMIM 300088. Disease mechanism: loss of function.

Submission:

Labcorp Genetics (formerly Invitae), Labcorp
Classification: Pathogenic for Developmental and epileptic encephalopathy, 9. Last evaluated: 2024-02-20. Review status: criteria provided, single submitter. Criteria: Invitae Variant Classification Sherloc (09022015). Collection method: clinical testing. Allele origin: germline.
Comment: This sequence change replaces aspartic acid, which is acidic and polar, with asparagine, which is neutral and polar, at codon 377 of the PCDH19 protein (p.Asp377Asn). This variant is not present in population databases (gnomAD no frequency). This missense change has been observed in individual(s) with clinical features of early infantile epileptic encephalopathy (PMID: 22848613, 29933521). In at least one individual the variant was observed to be de novo. Advanced modeling of protein sequence and biophysical properties (such as structural, functional, and spatial information, amino acid conservation, physicochemical variation, residue mobility, and thermodynamic stability) performed at Invitae indicates that this missense variant is expected to disrupt PCDH19 protein function with a positive predictive value of 95%. This variant disrupts the p.Asp377 amino acid residue in PCDH19. Other variant(s) that disrupt this residue have been determined to be pathogenic (PMID: 20713952, 21777234). This suggests that this residue is clinically significant, and that variants that disrupt this residue are likely to be disease-causing. For these reasons, this variant has been classified as Pathogenic.

Literature cited by the submitters: PubMed 22848613; PubMed 29933521; PubMed 20713952; PubMed 21777234.